The following is an entry in ClinVar:

ClinVar aggregate classification (germline): Likely benign (1 of 4 stars; one submission).

Conditions:
TNPO2-related disorder. Also called: TNPO2-related condition.

gnomAD v4.1: 798 of 1,606,798 alleles (0.05%); highest among the groups gnomAD compares: East Asian, 1.7%; 8 homozygotes.

Submission:

PreventionGenetics, part of Exact Sciences
Classification: Likely benign for TNPO2-related condition. Last evaluated: 2025-03-06. Review status: criteria provided, single submitter. Criteria: ACMG Guidelines, 2015. Collection method: clinical testing. Allele origin: germline.
Comment: This variant is classified as likely benign based on ACMG/AMP sequence variant interpretation guidelines (Richards et al. 2015 PMID: 25741868, with internal and published modifications).

NM_001382241.1(TNPO2):c.772-10C>T

Gene: TNPO2 (transportin 2; minus strand). Cytogenetic location: 19p13.13.
Variant type: single nucleotide variant.
Coding change: c.772-10C>T on transcript NM_001382241.1 (MANE Select); 10 bases into the intron before coding-DNA position 772, C replaced by T.
Molecular consequence: intron variant.
Genome position (GRCh38, 1-based): chr19:12,714,949, G>A on the plus strand (C>T on the coding strand, the complement: TNPO2 is on the minus strand). VCF-style: chr19-12714949-G-A. GRCh37 (hg19) VCF-style: chr19-12825763-G-A.
Other names: c.772-10C>T (NM_001382237.1, NM_001382240.1, NM_001382238.1 and 7 more transcripts).
Identifiers: ClinVar variation 4978145 (VCV004978145.1).